The following is an entry in ClinVar:

NM_024649.5(BBS1):c.1095dup (p.Val366fs)

Genes: BBS1 (Bardet-Biedl syndrome 1; plus strand), ZDHHC24 (zDHHC palmitoyltransferase 24; minus strand). Cytogenetic location: 11q13.2.
Variant type: Duplication.
Coding change: c.1095dup on transcript NM_024649.5 (MANE Select); coding-DNA position 1095, one base duplicated (T; older notation c.1095dupT).
Protein change: p.Val366fs; shifts the reading frame from valine 366.
Molecular consequence: frameshift variant. On other transcripts: intron variant (1).
Genome position (GRCh38, 1-based): chr11:66,523,867, T duplicated. VCF-style (leftmost placement, unchanged base first): chr11-66523866-A-AT. GRCh37 (hg19) VCF-style: chr11-66291337-A-AT.
Other names: c.*22-2401dup (NM_001348571.2); short protein forms V366fs.
Identifiers: ClinVar variation 4816156 (VCV004816156.1).

ClinVar aggregate classification (germline): Likely pathogenic (1 of 4 stars; one submission).

Conditions:
Bardet-Biedl syndrome 1 (BBS1). Identifiers: MedGen C2936862, MONDO:0008854, OMIM 209900. Disease mechanism: loss of function.

Submission:

Natera, Inc.
Classification: Likely pathogenic for Bardet-Biedl syndrome type 1. Last evaluated: 2024-10-21. Review status: criteria provided, single submitter. Criteria: Natera Variant Classification Schema (03/2026). Collection method: clinical testing. Allele origin: germline.
Comment: The c.1095dup variant in BBS1 is a frameshift variant predicted to shift the reading frame beginning at codon 366 and leads to a stop codon 49 codons downstream. This variant is expected to result in nonsense mediated decay, truncation, or a dysfunctional protein product. This variant is rare in the general population with a frequency below the threshold expected for the associated phenotype(s). Given the available evidence, this variant is classified as Likely Pathogenic.